The following is an entry in ClinVar:

NM_007194.4(CHEK2):c.1080G>A (p.Glu360=)

Gene: CHEK2 (checkpoint kinase 2; minus strand). Cytogenetic location: 22q12.1.
Variant type: single nucleotide variant.
Coding change: c.1080G>A on transcript NM_007194.4 (MANE Select); coding-DNA position 1080, G replaced by A.
Protein change: p.Glu360=; no amino-acid change (glutamic acid 360 retained).
Molecular consequence: synonymous variant. On other transcripts: intron variant (3).
Genome position (GRCh38, 1-based): chr22:28,696,916, C>T on the plus strand (G>A on the coding strand, the complement: CHEK2 is on the minus strand). VCF-style: chr22-28696916-C-T. GRCh37 (hg19) VCF-style: chr22-29092904-C-T.
Other names: c.1209G>A, p.Glu403= (NM_001005735.3); c.417G>A, p.Glu139= (NM_001257387.3, NM_001437942.1); c.879G>A, p.Glu293= (NM_001349956.3); c.1173G>A, p.Glu391= (NM_001438293.1); c.1009-1043G>A (NM_145862.3); c.1102-1043G>A (NM_001438295.1); c.1138-1043G>A (NM_001438294.1).
Identifiers: ClinVar variation 755241 (VCV000755241.13), dbSNP rs1601726685, ClinGen allele CA513944964.

ClinVar aggregate classification (germline): Benign/Likely benign. Review status: criteria provided, multiple submitters, no conflicts (2 of 4 stars). 3 submissions from 3 submitters: Benign (1); Likely benign (2). Last evaluated 2024-10-04.

Conditions:
Familial cancer of breast. Also called: hereditary breast carcinoma; BREAST CANCER, FAMILIAL; Hereditary breast cancer. Identifiers: Orphanet 227535, MedGen C0346153, MONDO:0016419, OMIM 114480. Disease mechanism: loss of function.
Hereditary cancer-predisposing syndrome. Also called: Hereditary Cancer Syndrome; Hereditary neoplastic syndrome; Neoplastic Syndromes, Hereditary; Tumor predisposition. Identifiers: Orphanet 140162, MedGen C0027672, MeSH D009386, MONDO:0015356.

Allele frequency attached by ClinVar (database versions not stated): gnomAD exomes 0.00001.
gnomAD v4.1: 11 of 1,610,460 alleles (0.00068%); highest among the groups gnomAD compares: Non-Finnish European, 0.00093%; no homozygotes.

Submissions (3):

Myriad Genetics, Inc.
Classification: Benign for Familial cancer of breast. Last evaluated: 2024-10-04. Review status: criteria provided, single submitter. Criteria: Myriad Autosomal Dominant, Autosomal Recessive and X-Linked Classification Criteria (2023). Collection method: clinical testing. Allele origin: unknown.
Comment: This variant is considered benign. This variant is a silent/synonymous amino acid change and it is not expected to impact splicing.

Ambry Genetics
Classification: Likely benign for Hereditary cancer-predisposing syndrome. Last evaluated: 2022-01-04. Review status: criteria provided, single submitter. Criteria: Ambry Variant Classification Scheme 2023. Collection method: clinical testing. Allele origin: germline.

Labcorp Genetics (formerly Invitae), Labcorp
Classification: Likely benign for Familial cancer of breast. Last evaluated: 2021-07-31. Review status: criteria provided, single submitter. Criteria: Invitae Variant Classification Sherloc (09022015). Collection method: clinical testing. Allele origin: germline.